The following is an entry in ClinVar:

ClinVar aggregate classification (germline): Uncertain significance. Review status: criteria provided, multiple submitters, no conflicts (2 of 4 stars). 4 submissions from 4 submitters: Uncertain significance (4). Last evaluated 2025-10-30.

Conditions:
SPTB-related disorder. Also called: SPTB-related condition; SPTB-Related Disorders.

Submissions (4):

PreventionGenetics, part of Exact Sciences
Classification: Uncertain significance for SPTB-related condition. Last evaluated: 2025-10-30. Review status: criteria provided, single submitter. Criteria: ACMG Guidelines, 2015. Collection method: clinical testing. Allele origin: germline.
Comment: The SPTB c.830_832delTCT variant is predicted to result in an in-frame deletion (p.Phe277del). To our knowledge, this variant has not been reported in the literature or in a large population database (gnomAD), indicating this variant is rare. At this time, the clinical significance of this variant is uncertain due to the absence of conclusive functional and genetic evidence.

Revvity Omics, Revvity
Classification: Uncertain significance. Last evaluated: 2025-01-14. Review status: criteria provided, single submitter. Criteria: ACMG Guidelines, 2015. Collection method: clinical testing. Allele origin: germline.

Blueprint Genetics
Classification: Uncertain significance. Last evaluated: 2024-05-07. Review status: criteria provided, single submitter. Criteria: ACMG Guidelines, 2015. Collection method: clinical testing. Allele origin: germline.

Labcorp Genetics (formerly Invitae), Labcorp
Classification: Uncertain significance. Last evaluated: 2024-01-25. Review status: criteria provided, single submitter. Criteria: Invitae Variant Classification Sherloc (09022015). Collection method: clinical testing. Allele origin: germline.
Comment: This variant, c.830_832del, results in the deletion of 1 amino acid(s) of the SPTB protein (p.Phe277del), but otherwise preserves the integrity of the reading frame. This variant is not present in population databases (gnomAD no frequency). This variant has not been reported in the literature in individuals affected with SPTB-related conditions. Experimental studies and prediction algorithms are not available or were not evaluated, and the functional significance of this variant is currently unknown. In summary, the available evidence is currently insufficient to determine the role of this variant in disease. Therefore, it has been classified as a Variant of Uncertain Significance.

NM_001355436.2(SPTB):c.830_832del (p.Phe277del)

Gene: SPTB (spectrin beta, erythrocytic; minus strand). Cytogenetic location: 14q23.3.
Variant type: Deletion.
Coding change: c.830_832del on transcript NM_001355436.2 (MANE Select); coding-DNA positions 830 to 832, 3 bases deleted (TCT; older notation c.830_832delTCT).
Protein change: p.Phe277del; deletes phenylalanine 277.
Molecular consequence: inframe deletion.
Genome position (GRCh38, 1-based): chr14:64,800,800-64,800,802, AGA deleted on the plus strand (TCT on the coding strand, the reverse complement: SPTB is on the minus strand); deleting any 3 consecutive bases within chr14:64,800,800-64,800,804 gives the same sequence; the c. name uses the placement nearest the transcript's 3' end. VCF-style (leftmost placement, unchanged base first): chr14-64800799-GAGA-G. GRCh37 (hg19) VCF-style: chr14-65267517-GAGA-G.
Other names: c.830_832delTCT (NM_001024858.2); c.830_832del, p.Phe277del (NM_001024858.4, NM_001355437.2); short protein forms F277del.
Identifiers: ClinVar variation 2711456 (VCV002711456.6), dbSNP rs2503203740, ClinGen allele CA2697554049.